The following is an entry in ClinVar:

ClinVar aggregate classification (germline): Uncertain significance (1 of 4 stars; one submission).

Allele frequency attached by ClinVar (database versions not stated): gnomAD exomes below 0.00001.
gnomAD v4.1: 1 of 1,527,588 alleles (0.000065%); highest among the groups gnomAD compares: Non-Finnish European, 0.000088%; no homozygotes.

Submission:

Labcorp Genetics (formerly Invitae), Labcorp
Classification: Uncertain significance. Last evaluated: 2018-08-20. Review status: criteria provided, single submitter. Criteria: Invitae Variant Classification Sherloc (09022015). Collection method: clinical testing. Allele origin: germline.
Comment: This variant has not been reported in the literature in individuals with KPNA7-related disease. This variant is not present in population databases (ExAC no frequency). This sequence change affects an acceptor splice site in intron 7 of the KPNA7 gene. It is expected to disrupt RNA splicing and likely results in an absent or disrupted protein product. Algorithms developed to predict the effect of sequence changes on RNA splicing suggest that this variant may disrupt the consensus splice site, but this prediction has not been confirmed by published transcriptional studies. In summary, the available evidence is currently insufficient to determine the role of this variant in disease. Therefore, it has been classified as a Variant of Uncertain Significance. The current clinical and genetic evidence is not sufficient to establish whether loss-of-function variants in KPNA7 cause disease.

NM_001145715.3(KPNA7):c.1135-2A>G

Gene: KPNA7 (karyopherin subunit alpha 7; minus strand). Cytogenetic location: 7q22.1.
Variant type: single nucleotide variant.
Coding change: c.1135-2A>G on transcript NM_001145715.3 (MANE Select); the canonical splice acceptor site of the intron before coding-DNA position 1135, A replaced by G.
Molecular consequence: splice acceptor variant.
Genome position (GRCh38, 1-based): chr7:99,182,067, T>C on the plus strand (A>G on the coding strand, the complement: KPNA7 is on the minus strand). VCF-style: chr7-99182067-T-C. GRCh37 (hg19) VCF-style: chr7-98779690-T-C.
Identifiers: ClinVar variation 644341 (VCV000644341.6), dbSNP rs1584270076, ClinGen allele CA368418572.
Genomic context (GRCh38, chr7:99,182,067, plus strand): 5'-GCCCCTGTTGCAAAGTTCGCCACCATCCAGACAGCCTCTTTCTGGACTTTAAATTCTCCC[T>C]GCAGAACAAGAATGTTTCCATTCTCTACAGATCCTCAAGAACCTAAATAGAGGACACCAA-3'